The following is an entry in ClinVar:

NM_002936.6(RNASEH1):c.852G>A (p.Ser284=)

Gene: RNASEH1 (ribonuclease H1; minus strand). Cytogenetic location: 2p25.3.
Variant type: single nucleotide variant.
Coding change: c.852G>A on transcript NM_002936.6 (MANE Select); coding-DNA position 852, G replaced by A.
Protein change: p.Ser284=; no amino-acid change (serine 284 retained).
Molecular consequence: synonymous variant. On other transcripts: non-coding transcript variant (7), 3 prime UTR variant (1).
Genome position (GRCh38, 1-based): chr2:3,545,794, C>T on the plus strand (G>A on the coding strand, the complement: RNASEH1 is on the minus strand). VCF-style: chr2-3545794-C-T. GRCh37 (hg19) VCF-style: chr2-3593384-C-T.
Other names: c.849G>A, p.Ser283= (NM_001378272.1); c.837G>A, p.Ser279= (NM_001378273.1); c.774G>A, p.Ser258= (NM_001286834.3); c.501G>A, p.Ser167= (NM_001286837.3); c.*47G>A (NM_001378271.1); c.852G>A (NM_002936.4).
Identifiers: ClinVar variation 2195654 (VCV002195654.6), dbSNP rs370327181, ClinGen allele CA1516116.

ClinVar aggregate classification (germline): Likely benign. Review status: criteria provided, single submitter (1 of 4 stars). 2 submissions from 2 submitters: Likely benign (1). 1 of the submissions does not count toward it. Last evaluated 2024-09-03.

Conditions:
RNASEH1-related disorder. Also called: RNASEH1-related condition.

Allele frequency attached by ClinVar (database versions not stated): ExAC 0.00002; gnomAD 0.00005; TOPMed 0.00005; gnomAD exomes 0.00006; ESP Exome Variant Server 0.00008.
gnomAD v4.1: 97 of 1,612,356 alleles (0.006%); highest among the groups gnomAD compares: Non-Finnish European, 0.0073%; no homozygotes.

Submissions (2):

Labcorp Genetics (formerly Invitae), Labcorp
Classification: Likely benign. Last evaluated: 2024-09-03. Review status: criteria provided, single submitter. Criteria: Invitae Variant Classification Sherloc (09022015). Collection method: clinical testing. Allele origin: germline.

PreventionGenetics, part of Exact Sciences
Classification: Likely benign for RNASEH1-related condition. Last evaluated: 2021-04-12. Review status: no assertion criteria provided. Collection method: clinical testing. Allele origin: germline. Not counted in ClinVar's aggregate classification.
Comment: This variant is classified as likely benign based on ACMG/AMP sequence variant interpretation guidelines (Richards et al. 2015 PMID: 25741868, with internal and published modifications).